The following is an entry in ClinVar:

NM_000404.4(GLB1):c.2030T>G (p.Val677Gly)

Gene: GLB1 (galactosidase beta 1; minus strand). Cytogenetic location: 3p22.3.
Variant type: single nucleotide variant.
Coding change: c.2030T>G on transcript NM_000404.4 (MANE Select); coding-DNA position 2030, T replaced by G.
Protein change: p.Val677Gly; replaces valine 677 with glycine.
Molecular consequence: missense variant.
Genome position (GRCh38, 1-based): chr3:32,997,049, A>C on the plus strand (T>G on the coding strand, the complement: GLB1 is on the minus strand). VCF-style: chr3-32997049-A-C. GRCh37 (hg19) VCF-style: chr3-33038541-A-C.
Other names: c.1940T>G, p.Val647Gly (NM_001079811.3); c.1637T>G, p.Val546Gly (NM_001135602.3); c.2174T>G, p.Val725Gly (NM_001317040.2); short protein forms V546G, V647G, V725G, V677G.
Identifiers: ClinVar variation 968996 (VCV000968996.7), dbSNP rs767685019, ClinGen allele CA2299252.

ClinVar aggregate classification (germline): Uncertain significance. Review status: criteria provided, single submitter (1 of 4 stars). 2 submissions from 2 submitters: Uncertain significance (1). 1 of the submissions does not count toward it. Last evaluated 2024-10-26.

Conditions:
Mucopolysaccharidosis, MPS-IV-B (MPS4B). Also called: Mucopolysaccharidosis type IV B; Mucopolysaccharidosis Type IVB (Morquio B Disease); MORQUIO SYNDROME B; Mucopolysaccharidosis type 4B; Mucopolysaccharidosis Type IVB; Mucopolysaccharidosis type IVB (Morquio). Identifiers: Orphanet 309310, Orphanet 582, MedGen C0086652, MONDO:0009660, OMIM 253010.
GM1 gangliosidosis. Identifiers: Orphanet 354, MedGen C0085131, MONDO:0018149.

Allele frequency attached by ClinVar (database versions not stated): gnomAD exomes 0.00001; ExAC 0.00002; gnomAD 0.00002; TOPMed 0.00004.
gnomAD v4.1: 16 of 1,613,940 alleles (0.00099%); highest among the groups gnomAD compares: Admixed American, 0.0067%; no homozygotes.

Submissions (2):

Labcorp Genetics (formerly Invitae), Labcorp
Classification: Uncertain significance for Mucopolysaccharidosis, MPS-IV-B; GM1 gangliosidosis. Last evaluated: 2024-10-26. Review status: criteria provided, single submitter. Criteria: Invitae Variant Classification Sherloc (09022015). Collection method: clinical testing. Allele origin: germline.
Comment: This sequence change replaces valine, which is neutral and non-polar, with glycine, which is neutral and non-polar, at codon 677 of the GLB1 protein (p.Val677Gly). This variant is present in population databases (rs767685019, gnomAD 0.003%). This missense change has been observed in individual(s) with GLB1-related conditions (PMID: 33558080; internal data). In at least one individual the data is consistent with being in trans (on the opposite chromosome) from a pathogenic variant. ClinVar contains an entry for this variant (Variation ID: 968996). Invitae Evidence Modeling of protein sequence and biophysical properties (such as structural, functional, and spatial information, amino acid conservation, physicochemical variation, residue mobility, and thermodynamic stability) indicates that this missense variant is not expected to disrupt GLB1 protein function with a negative predictive value of 95%. In summary, the available evidence is currently insufficient to determine the role of this variant in disease. Therefore, it has been classified as a Variant of Uncertain Significance.

OMIM
Classification: Pathogenic for MUCOPOLYSACCHARIDOSIS, TYPE IVB. Last evaluated: 2021-05-12. Review status: no assertion criteria provided. Collection method: literature only. Allele origin: germline. Not counted in ClinVar's aggregate classification.

Literature cited by the submitters: PubMed 33558080 (cited by Labcorp Genetics (formerly Invitae), Labcorp and OMIM).